The following is an entry in ClinVar:

NM_002439.5(MSH3):c.2670_2671dup (p.Val891fs)

Gene: MSH3 (mutS homolog 3; plus strand). Cytogenetic location: 5q14.1.
Variant type: Microsatellite.
Coding change: c.2670_2671dup on transcript NM_002439.5 (MANE Select); coding-DNA positions 2670 to 2671, 2 bases duplicated (AG; older notation c.2670_2671dupAG).
Protein change: p.Val891fs; shifts the reading frame from valine 891.
Molecular consequence: frameshift variant.
Genome position (GRCh38, 1-based): chr5:80,813,598-80,813,599, AG duplicated; duplicating any 2 consecutive bases within chr5:80,813,592-80,813,599 gives the same sequence; the c. name uses the placement nearest the transcript's 3' end. VCF-style (leftmost placement, unchanged base first): chr5-80813591-C-CAG. GRCh37 (hg19) VCF-style: chr5-80109410-C-CAG.
Other names: short protein forms V891fs.
Identifiers: ClinVar variation 1984377 (VCV001984377.5), dbSNP rs1561486632, ClinGen allele CA2580613585.

ClinVar aggregate classification (germline): Pathogenic. Review status: criteria provided, multiple submitters, no conflicts (2 of 4 stars). 2 submissions from 2 submitters: Pathogenic (2). Last evaluated 2023-08-31.

Conditions:
Familial adenomatous polyposis 4 (FAP4). Also called: MSH3-related attenuated familial adenomatous polyposis. Identifiers: Orphanet 480536, MedGen C4310719, MONDO:0044300, OMIM 617100.

Submissions (2):

Myriad Genetics, Inc.
Classification: Pathogenic for Familial adenomatous polyposis 4. Last evaluated: 2023-08-31. Review status: criteria provided, single submitter. Criteria: Myriad Autosomal Dominant, Autosomal Recessive and X-Linked Classification Criteria (2023). Collection method: clinical testing. Allele origin: unknown.
Comment: This variant is considered pathogenic. This variant creates a frameshift predicted to result in premature protein truncation.

Labcorp Genetics (formerly Invitae), Labcorp
Classification: Pathogenic. Last evaluated: 2022-05-31. Review status: criteria provided, single submitter. Criteria: Invitae Variant Classification Sherloc (09022015). Collection method: clinical testing. Allele origin: germline.
Comment: For these reasons, this variant has been classified as Pathogenic. This variant has not been reported in the literature in individuals affected with MSH3-related conditions. This variant is not present in population databases (gnomAD no frequency). This sequence change creates a premature translational stop signal (p.Val891Glufs*2) in the MSH3 gene. It is expected to result in an absent or disrupted protein product. Loss-of-function variants in MSH3 are known to be pathogenic (PMID: 27476653).

Literature cited by the submitters: PubMed 27476653 (cited by Labcorp Genetics (formerly Invitae), Labcorp).